The following is an entry in ClinVar:

ClinVar aggregate classification (germline): Uncertain significance (1 of 4 stars; one submission).

Submission:

Labcorp Genetics (formerly Invitae), Labcorp
Classification: Uncertain significance. Last evaluated: 2020-01-21. Review status: criteria provided, single submitter. Criteria: Invitae Variant Classification Sherloc (09022015). Collection method: clinical testing. Allele origin: germline.
Comment: This sequence change replaces aspartic acid with glutamic acid at codon 1251 of the CEP250 protein (p.Asp1251Glu). The aspartic acid residue is moderately conserved and there is a small physicochemical difference between aspartic acid and glutamic acid. This variant is not present in population databases (ExAC no frequency). This variant has not been reported in the literature in individuals with CEP250-related conditions. Algorithms developed to predict the effect of missense changes on protein structure and function are either unavailable or do not agree on the potential impact of this missense change (SIFT: "Not Available"; PolyPhen-2: "Benign"; Align-GVGD: "Not Available"). In summary, the available evidence is currently insufficient to determine the role of this variant in disease. Therefore, it has been classified as a Variant of Uncertain Significance.

NM_007186.6(CEP250):c.3753C>G (p.Asp1251Glu)

Gene: CEP250 (centrosomal protein 250; plus strand). Cytogenetic location: 20q11.22.
Variant type: single nucleotide variant.
Coding change: c.3753C>G on transcript NM_007186.6 (MANE Select); coding-DNA position 3753, C replaced by G.
Protein change: p.Asp1251Glu; replaces aspartic acid 1251 with glutamic acid.
Molecular consequence: missense variant.
Genome position (GRCh38, 1-based): chr20:35,498,692, C>G. VCF-style: chr20-35498692-C-G. GRCh37 (hg19) VCF-style: chr20-34086521-C-G.
Other names: c.1857C>G, p.Asp619Glu (NM_001318219.1); short protein forms D1251E, D619E.
Identifiers: ClinVar variation 999625 (VCV000999625.7), dbSNP rs1159154873, ClinGen allele CA408745382.